The following is an entry in ClinVar:

ClinVar aggregate classification (germline): Uncertain significance. Review status: criteria provided, multiple submitters, no conflicts (2 of 4 stars). 2 submissions from 2 submitters: Uncertain significance (2). Last evaluated 2025-12-17.

Allele frequency attached by ClinVar (database versions not stated): ExAC 0.00005; gnomAD 0.00005; gnomAD exomes 0.00006; TOPMed 0.00006.

Submissions (2):

Labcorp Genetics (formerly Invitae), Labcorp
Classification: Uncertain significance. Last evaluated: 2025-12-17. Review status: criteria provided, single submitter. Criteria: Invitae Variant Classification Sherloc (09022015). Collection method: clinical testing. Allele origin: germline.
Comment: This sequence change replaces valine, which is neutral and non-polar, with methionine, which is neutral and non-polar, at codon 1100 of the DSCAML1 protein (p.Val1100Met). The frequency data for this variant in the population databases is considered unreliable, as metrics indicate poor data quality at this position in the gnomAD database. This variant has not been reported in the literature in individuals affected with DSCAML1-related conditions. ClinVar contains an entry for this variant (Variation ID: 2067893). An algorithm developed to predict the effect of missense changes on protein structure and function (PolyPhen-2) suggests that this variant is likely to be disruptive. In summary, the available evidence is currently insufficient to determine the role of this variant in disease. Therefore, it has been classified as a Variant of Uncertain Significance.

Ambry Genetics
Classification: Uncertain significance. Last evaluated: 2025-06-06. Review status: criteria provided, single submitter. Criteria: Ambry Variant Classification Scheme 2023. Collection method: clinical testing. Allele origin: germline.

NM_020693.4(DSCAML1):c.3118G>A (p.Val1040Met)

Gene: DSCAML1 (DS cell adhesion molecule like 1; minus strand). Cytogenetic location: 11q23.3.
Variant type: single nucleotide variant.
Coding change: c.3118G>A on transcript NM_020693.4 (MANE Select); coding-DNA position 3118, G replaced by A.
Protein change: p.Val1040Met; replaces valine 1040 with methionine.
Molecular consequence: missense variant.
Genome position (GRCh38, 1-based): chr11:117,465,089, C>T on the plus strand (G>A on the coding strand, the complement: DSCAML1 is on the minus strand). VCF-style: chr11-117465089-C-T. GRCh37 (hg19) VCF-style: chr11-117335805-C-T.
Other names: c.3298G>A (NM_020693.2); short protein forms V1040M.
Identifiers: ClinVar variation 2067893 (VCV002067893.5), dbSNP rs202069418, ClinGen allele CA6296790.